The following is an entry in ClinVar:

NM_000088.4(COL1A1):c.3713del (p.Leu1238fs)

Gene: COL1A1 (collagen type I alpha 1 chain; minus strand). Cytogenetic location: 17q21.33.
Variant type: Deletion.
Coding change: c.3713del on transcript NM_000088.4 (MANE Select); coding-DNA position 3713, one base deleted (T; older notation c.3713delT).
Protein change: p.Leu1238fs; shifts the reading frame from leucine 1238.
Molecular consequence: frameshift variant.
Genome position (GRCh38, 1-based): chr17:50,186,741, A deleted on the plus strand (T on the coding strand, the reverse complement: COL1A1 is on the minus strand). VCF-style (leftmost placement, unchanged base first): chr17-50186740-CA-C. GRCh37 (hg19) VCF-style: chr17-48264101-CA-C.
Other names: short protein forms L1238fs.
Identifiers: ClinVar variation 1708413 (VCV001708413.3), dbSNP rs2509163924, ClinGen allele CA2580094184.

ClinVar aggregate classification (germline): Pathogenic (1 of 4 stars; one submission).

Submission:

Centre of Medical Genetics, University Hospital Muenster
Classification: Pathogenic. Last evaluated: 2022-11-24. Review status: criteria provided, single submitter. Criteria: ACMG Guidelines, 2015. Collection method: clinical testing. Allele origin: de novo. Affected: yes. Observed: 1 variant allele, 1 heterozygote.
Comment: ACMG categories: PVS1,PS2,PM2